The following is an entry in ClinVar:

NM_032043.3(BRIP1):c.3022T>C (p.Leu1008=)

Gene: BRIP1 (BRCA1 interacting DNA helicase 1; minus strand). Cytogenetic location: 17q23.2.
Variant type: single nucleotide variant.
Coding change: c.3022T>C on transcript NM_032043.3 (MANE Select); coding-DNA position 3022, T replaced by C.
Protein change: p.Leu1008=; no amino-acid change (leucine 1008 retained).
Molecular consequence: synonymous variant.
Genome position (GRCh38, 1-based): chr17:61,684,024, A>G on the plus strand (T>C on the coding strand, the complement: BRIP1 is on the minus strand). VCF-style: chr17-61684024-A-G. GRCh37 (hg19) VCF-style: chr17-59761385-A-G.
Identifiers: ClinVar variation 1798938 (VCV001798938.3), dbSNP rs1165704345, ClinGen allele CA501335538.
Genomic context (GRCh38, chr17:61,684,024, plus strand): 5'-TCTCTGATGACCCGAGCTCAGGTGTTGCCTTCGGTATTTTACCAGTAAAATACTGTCCCA[A>G]AGAATTAAAGCTTGACCAGCTAACTCTCTTTGTTTGTTTGTTGAAAGTTGGGCTTGTGGA-3'
Protein context (NP_114432.2, residues 998-1018): KRVSWSSFNS[Leu1008=]GQYFTGKIPK

ClinVar aggregate classification (germline): Benign/Likely benign. Review status: criteria provided, multiple submitters, no conflicts (2 of 4 stars). 2 submissions from 2 submitters: Benign (1); Likely benign (1). Last evaluated 2024-09-09.

Conditions:
Hereditary cancer-predisposing syndrome. Also called: Neoplastic Syndromes, Hereditary; Tumor predisposition; Hereditary Cancer Syndrome; Hereditary neoplastic syndrome. Identifiers: Orphanet 140162, MedGen C0027672, MeSH D009386, MONDO:0015356.
Familial cancer of breast. Also called: BREAST CANCER, FAMILIAL; Hereditary breast cancer; hereditary breast carcinoma. Identifiers: Orphanet 227535, MedGen C0346153, MONDO:0016419, OMIM 114480. Disease mechanism: loss of function.

Submissions (2):

Myriad Genetics, Inc.
Classification: Benign for Familial cancer of breast. Last evaluated: 2024-09-09. Review status: criteria provided, single submitter. Criteria: Myriad Autosomal Dominant, Autosomal Recessive and X-Linked Classification Criteria (2023). Collection method: clinical testing. Allele origin: unknown.
Comment: This variant is considered benign. This variant is a silent/synonymous amino acid change and it is not expected to impact splicing.

Ambry Genetics
Classification: Likely benign for Hereditary cancer-predisposing syndrome. Last evaluated: 2020-10-04. Review status: criteria provided, single submitter. Criteria: Ambry Variant Classification Scheme 2023. Collection method: clinical testing. Allele origin: germline.